The following is an entry in ClinVar:

ClinVar aggregate classification (germline): Conflicting classifications of pathogenicity. Review status: criteria provided, conflicting classifications (1 of 4 stars). 5 submissions from 5 submitters: Uncertain significance (3); Benign (1); Likely benign (1). Last evaluated 2025-12-21.

Conditions:
Familial focal epilepsy with variable foci (FPEVF). Identifiers: Orphanet 98820, MedGen C1858477, MONDO:0020310.
Epilepsy, familial focal, with variable foci 1 (FFEVF1). Also called: DEPDC5-Related Epilepsy. Identifiers: MedGen C4551983, MONDO:0024556, OMIM 604364.
Inborn genetic diseases. Identifiers: MedGen C0950123, MeSH D030342.

Allele frequency attached by ClinVar (database versions not stated): ExAC 0.00014; gnomAD exomes 0.00015 and 0.00028; TOPMed 0.00019; gnomAD 0.00022 and 0.00023; ESP Exome Variant Server 0.00041.
gnomAD v4.1: 455 of 1,588,148 alleles (0.029%); highest among the groups gnomAD compares: Non-Finnish European, 0.035%; 1 homozygote.

Submissions (5):

Labcorp Genetics (formerly Invitae), Labcorp
Classification: Uncertain significance for Familial focal epilepsy with variable foci. Last evaluated: 2025-12-21. Review status: criteria provided, single submitter. Criteria: Invitae Variant Classification Sherloc (09022015). Collection method: clinical testing. Allele origin: germline.
Comment: This sequence change replaces asparagine, which is neutral and polar, with serine, which is neutral and polar, at codon 323 of the DEPDC5 protein (p.Asn323Ser). This variant is present in population databases (rs201776005, gnomAD 0.03%). This variant has not been reported in the literature in individuals affected with DEPDC5-related conditions. ClinVar contains an entry for this variant (Variation ID: 466500). Experimental studies and prediction algorithms are not available or were not evaluated, and the functional significance of this variant is currently unknown. In summary, the available evidence is currently insufficient to determine the role of this variant in disease. Therefore, it has been classified as a Variant of Uncertain Significance.

Ambry Genetics
Classification: Benign for Inborn genetic diseases. Last evaluated: 2024-02-26. Review status: criteria provided, single submitter. Criteria: Ambry Variant Classification Scheme 2023. Collection method: clinical testing. Allele origin: germline.

CeGaT Center for Human Genetics Tuebingen
Classification: Uncertain significance. Last evaluated: 2022-03-01. Review status: criteria provided, single submitter. Criteria: CeGaT Center For Human Genetics Tuebingen Variant Classification Criteria Version 2. Collection method: clinical testing. Allele origin: germline. Affected: yes. Observed: 1 variant allele.

GeneDx
Classification: Likely benign. Last evaluated: 2019-02-15. Review status: criteria provided, single submitter. Criteria: GeneDx Variant Classification Process June 2021. Collection method: clinical testing. Allele origin: germline. Affected: yes.

Fulgent Genetics
Classification: Uncertain significance for Epilepsy, familial focal, with variable foci 1. Last evaluated: 2018-10-31. Review status: criteria provided, single submitter. Criteria: ACMG Guidelines, 2015. Collection method: clinical testing. Allele origin: unknown.

NM_001242896.3(DEPDC5):c.968A>G (p.Asn323Ser)

Gene: DEPDC5 (DEP domain containing 5, GATOR1 subcomplex subunit; plus strand). Cytogenetic location: 22q12.3.
Variant type: single nucleotide variant.
Coding change: c.968A>G on transcript NM_001242896.3 (MANE Select); coding-DNA position 968, A replaced by G.
Protein change: p.Asn323Ser; replaces asparagine 323 with serine.
Molecular consequence: missense variant. On other transcripts: non-coding transcript variant (5).
Genome position (GRCh38, 1-based): chr22:31,802,725, A>G. VCF-style: chr22-31802725-A-G. GRCh37 (hg19) VCF-style: chr22-32198711-A-G.
Other names: c.968A>G, p.Asn323Ser (NM_001007188.4, NM_001136029.4, NM_001242897.2 and 7 more transcripts); c.884A>G, p.Asn295Ser (NM_001369901.1, NM_001369902.1); short protein forms N323S, N295S.
Identifiers: ClinVar variation 466500 (VCV000466500.39), dbSNP rs201776005, ClinGen allele CA10196194.
Genomic context (GRCh38, chr22:31,802,725, plus strand): 5'-TGTAACATCATTATTGTGGAATTTTTGTTTTATTTCTAGTGTTTGATAAGCACTACATCA[A>G]CCGCAACTTTGACCGAACTGGGCAGATGTCAGTGGTGATCACGCCCGGGGTGGGTGTCTT-3'
Protein context (NP_001229825.1, residues 313-333): SFNVFDKHYI[Asn323Ser]RNFDRTGQMS